The following is an entry in ClinVar:

NM_002816.5(PSMD12):c.180G>A (p.Met60Ile)

Gene: PSMD12 (proteasome 26S subunit, non-ATPase 12; minus strand). Cytogenetic location: 17q24.2.
Variant type: single nucleotide variant.
Coding change: c.180G>A on transcript NM_002816.5 (MANE Select); coding-DNA position 180, G replaced by A.
Protein change: p.Met60Ile; replaces methionine 60 with isoleucine.
Molecular consequence: missense variant. On other transcripts: initiator codon variant (1).
Genome position (GRCh38, 1-based): chr17:67,357,420, C>T on the plus strand (G>A on the coding strand, the complement: PSMD12 is on the minus strand). VCF-style: chr17-67357420-C-T. GRCh37 (hg19) VCF-style: chr17-65353536-C-T.
Other names: c.3G>A, p.Met1Ile (NM_001316341.2); c.120G>A, p.Met40Ile (NM_174871.4); short protein forms M1I, M40I, M60I.
Identifiers: ClinVar variation 3370694 (VCV003370694.1).

ClinVar aggregate classification (germline): Uncertain significance (1 of 4 stars; one submission).

gnomAD v4.1: 1 of 1,613,594 alleles (0.000062%); no homozygotes.

Submission:

GeneDx
Classification: Uncertain significance. Last evaluated: 2024-03-07. Review status: criteria provided, single submitter. Criteria: GeneDx Variant Classification Process June 2021. Collection method: clinical testing. Allele origin: germline. Affected: yes.
Comment: Not observed at significant frequency in large population cohorts (gnomAD); In silico analysis supports that this missense variant does not alter protein structure/function; Has not been previously published as pathogenic or benign to our knowledge